The following is an entry in ClinVar:

NM_001368882.1(COL13A1):c.76del (p.Val26fs)

Gene: COL13A1 (collagen type XIII alpha 1 chain; plus strand). Cytogenetic location: 10q22.1.
Variant type: Deletion.
Coding change: c.76del on transcript NM_001368882.1 (MANE Select); coding-DNA position 76, one base deleted (G; older notation c.76delG).
Protein change: p.Val26fs; shifts the reading frame from valine 26.
Molecular consequence: frameshift variant. On other transcripts: 5 prime UTR variant (1).
Genome position (GRCh38, 1-based): chr10:69,802,499, G deleted; the last of 2 consecutive G bases (chr10:69,802,498-69,802,499); deleting either gives the same sequence. VCF-style (leftmost placement, unchanged base first): chr10-69802497-CG-C. GRCh37 (hg19) VCF-style: chr10-71562253-CG-C.
Other names: c.76del, p.Val26fs (NM_001130103.2, NM_001320951.2, NM_001368883.1 and 11 more transcripts); c.-578del (NM_001368886.1); short protein forms V26fs.
Identifiers: ClinVar variation 2895874 (VCV002895874.3), dbSNP rs1421407425, ClinGen allele CA667960628.
Genomic context (GRCh38, chr10:69,802,497, plus strand): 5'-GCACCCACAAAGCGGCAGCCACCGGTGCCCGCGGCCCTGGGGAGTTGGGCGCGCCCGGGA[CG>C]GTGGCTCTGGTGGCGGCGCGGGCGGAGCGCGGCGCACGGCTGCCGAGTCCAGGGTCGTGC-3'

ClinVar aggregate classification (germline): Pathogenic (1 of 4 stars; one submission).

Submission:

Labcorp Genetics (formerly Invitae), Labcorp
Classification: Pathogenic. Last evaluated: 2026-01-09. Review status: criteria provided, single submitter. Criteria: Invitae Variant Classification Sherloc (09022015). Collection method: clinical testing. Allele origin: germline.
Comment: This sequence change creates a premature translational stop signal (p.Val26Trpfs*23) in the COL13A1 gene. It is expected to result in an absent or disrupted protein product. Loss-of-function variants in COL13A1 are known to be pathogenic (PMID: 26626625). This variant is not present in population databases (gnomAD no frequency). This variant has not been reported in the literature in individuals affected with COL13A1-related conditions. ClinVar contains an entry for this variant (Variation ID: 2895874). For these reasons, this variant has been classified as Pathogenic.

Literature cited by the submitters: PubMed 26626625.